The following is an entry in ClinVar:

ClinVar aggregate classification (germline): Pathogenic/Likely pathogenic. Review status: criteria provided, multiple submitters, no conflicts (2 of 4 stars). 4 submissions from 4 submitters: Pathogenic (2); Likely pathogenic (1). 1 of the submissions does not count toward it. Last evaluated 2026-03-01.

Conditions:
Hereditary leiomyomatosis and renal cell cancer. Also called: Reed syndrome; Multiple cutaneous and uterine leiomyomatosis; Cutaneous leiomyomata with uterine leiomyomata; Leiomyoma, hereditary multiple, of skin; Multiple cutaneous and uterine leiomyomata; FH tumor predisposition syndrome. Identifiers: Orphanet 523, MedGen C1708350, MONDO:0007888, OMIM 150800, HP:0007437. Disease mechanism: loss of function.

Submissions (4):

CeGaT Center for Human Genetics Tuebingen
Classification: Pathogenic. Last evaluated: 2026-03-01. Review status: criteria provided, single submitter. Criteria: CeGaT Center For Human Genetics Tuebingen Variant Classification Criteria Version 2. Collection method: clinical testing. Allele origin: germline. Affected: yes. Observed: 3 variant alleles.
Comment: FH: PVS1, PM2, PS4:Supporting

Quest Diagnostics Nichols Institute San Juan Capistrano
Classification: Pathogenic. Last evaluated: 2025-10-14. Review status: criteria provided, single submitter. Criteria: Quest Diagnostics criteria. Collection method: clinical testing. Allele origin: unknown.
Comment: The FH c.893_904+7del variant disrupts a canonical splice-donor site and interferes with normal FH mRNA splicing. This variant has been reported in the published literature in an individual with hereditary cutaneous leiomyomatosis (PMID: 38831716 (2024)). This variant has not been reported in large, multi-ethnic general populations (Genome Aggregation Database). Based on the available information, this variant is classified as pathogenic .

MGZ Medical Genetics Center
Classification: Likely pathogenic for Hereditary leiomyomatosis and renal cell cancer. Last evaluated: 2022-02-15. Review status: criteria provided, single submitter. Criteria: ACMG Guidelines, 2015. Collection method: clinical testing. Allele origin: germline. Affected: yes. Observed: 1 variant allele.
Comment: ACMG criteria applied: PVS1, PM2_SUP

Institute of Human Genetics, Cologne University
Classification: Pathogenic for Hereditary leiomyomatosis and renal cell cancer. Review status: no assertion criteria provided. Collection method: clinical testing. Allele origin: unknown. Inheritance: Autosomal dominant inheritance. Affected: yes. Observed: 1 heterozygote. Not counted in ClinVar's aggregate classification.

Literature cited by the submitters: PubMed 38831716 (cited by Quest Diagnostics Nichols Institute San Juan Capistrano).

NM_000143.4(FH):c.893_904+7del

Gene: FH (fumarate hydratase; minus strand). Cytogenetic location: 1q43.
Variant type: Deletion.
Coding change: c.893_904+7del on transcript NM_000143.4 (MANE Select); coding-DNA position 893 through 7 bases into the intron after coding-DNA position 904, 19 bases deleted (CTGCACTTACAGGTTAGTG).
Molecular consequence: splice donor variant.
Genome position (GRCh38, 1-based): chr1:241,505,996-241,506,014, CACTAACCTGTAAGTGCAG deleted on the plus strand (CTGCACTTACAGGTTAGTG on the coding strand, the reverse complement: FH is on the minus strand); deleting any 19 consecutive bases within chr1:241,505,996-241,506,015 gives the same sequence; the c. name uses the placement nearest the transcript's 3' end. VCF-style (leftmost placement, unchanged base first): chr1-241505995-TCACTAACCTGTAAGTGCAG-T. GRCh37 (hg19) VCF-style: chr1-241669295-TCACTAACCTGTAAGTGCAG-T.
Other names: c.893_904+7del (NM_000143.3).
Identifiers: ClinVar variation 827768 (VCV000827768.32), dbSNP rs1573881533, ClinGen allele CA915942102.